The following is an entry in ClinVar:

NM_000059.4(BRCA2):c.6156A>G (p.Ser2052=)

Gene: BRCA2 (BRCA2 DNA repair associated; plus strand). Cytogenetic location: 13q13.1.
Variant type: single nucleotide variant.
Coding change: c.6156A>G on transcript NM_000059.4 (MANE Select); coding-DNA position 6156, A replaced by G.
Protein change: p.Ser2052=; no amino-acid change (serine 2052 retained).
Molecular consequence: synonymous variant.
Genome position (GRCh38, 1-based): chr13:32,340,511, A>G. VCF-style: chr13-32340511-A-G. GRCh37 (hg19) VCF-style: chr13-32914648-A-G.
Identifiers: ClinVar variation 230068 (VCV000230068.8), dbSNP rs876658366, ClinGen allele CA10579681.

ClinVar aggregate classification (germline): Likely benign. Review status: reviewed by expert panel (3 of 4 stars). 3 submissions from 3 submitters: Likely benign (1). 2 of the submissions do not count toward it. Last evaluated 2017-06-29.

Conditions:
Hereditary cancer-predisposing syndrome. Also called: Neoplastic Syndromes, Hereditary; Tumor predisposition; Hereditary Cancer Syndrome; Hereditary neoplastic syndrome. Identifiers: Orphanet 140162, MedGen C0027672, MeSH D009386, MONDO:0015356.
Breast-ovarian cancer, familial, susceptibility to, 2 (BROVCA2). Also called: BRCA2 Hereditary Breast and Ovarian Cancer. Identifiers: Orphanet 145, MedGen C2675520, MONDO:0012933, OMIM 612555. Disease mechanism: loss of function.

Submissions (3):

Evidence-based Network for the Interpretation of Germline Mutant Alleles (ENIGMA)
Classification: Likely benign for Breast-ovarian cancer, familial, susceptibility to, 2. Last evaluated: 2017-06-29. Review status: reviewed by expert panel. Criteria: ENIGMA BRCA1/2 Classification Criteria (2017-06-29). Collection method: curation. Allele origin: germline.
Comment: Synonymous substitution variant, with low bioinformatic likelihood to result in a splicing aberration (Splicing prior probability 0.02).

CeGaT Center for Human Genetics Tuebingen
Classification: Likely benign. Last evaluated: 2026-08-01. Review status: criteria provided, single submitter. Criteria: CeGaT Center For Human Genetics Tuebingen Variant Classification Criteria Version 2. Collection method: clinical testing. Allele origin: germline. Affected: yes. Observed: 1 variant allele. Not counted in ClinVar's aggregate classification.
Comment: BRCA2: PM2:Supporting, BP4, BP7

Ambry Genetics
Classification: Likely benign for Hereditary cancer-predisposing syndrome. Last evaluated: 2015-01-12. Review status: criteria provided, single submitter. Criteria: Ambry Variant Classification Scheme 2023. Collection method: clinical testing. Allele origin: germline. Not counted in ClinVar's aggregate classification.